The following is an entry in ClinVar:

ClinVar aggregate classification (germline): Uncertain significance (1 of 4 stars; one submission).

Conditions:
Spinocerebellar ataxia type 26 (SCA26). Identifiers: Orphanet 101112, MedGen C1836395, MONDO:0012246, OMIM 609306.

gnomAD v4.1: 3 of 1,581,154 alleles (0.00019%); highest among the groups gnomAD compares: Admixed American, 0.0035%; no homozygotes.

Submission:

Laboratorio de Genetica e Diagnostico Molecular, Hospital Israelita Albert Einstein
Classification: Uncertain significance for Spinocerebellar ataxia type 26. Last evaluated: 2024-03-04. Review status: criteria provided, single submitter. Criteria: ACMG Guidelines, 2015. Collection method: clinical testing. Allele origin: germline. Affected: yes.
Comment: ACMG classification criteria: PM2 supporting, BP4 supporting

NM_001961.4(EEF2):c.2123C>T (p.Thr708Ile)

Genes: EEF2 (eukaryotic translation elongation factor 2; minus strand), LOC130063169 (ATAC-STARR-seq lymphoblastoid active region 13746; plus strand). Cytogenetic location: 19p13.3.
Variant type: single nucleotide variant.
Coding change: c.2123C>T on transcript NM_001961.4 (MANE Select); coding-DNA position 2123, C replaced by T.
Protein change: p.Thr708Ile; replaces threonine 708 with isoleucine.
Molecular consequence: missense variant.
Genome position (GRCh38, 1-based): chr19:3,977,555, G>A on the plus strand (C>T on the coding strand, the complement: EEF2 is on the minus strand). VCF-style: chr19-3977555-G-A. GRCh37 (hg19) VCF-style: chr19-3977553-G-A.
Other names: short protein forms T708I.
Identifiers: ClinVar variation 3901980 (VCV003901980.1).
Genomic context (GRCh38, chr19:3,977,555, plus strand): 5'-CAGCGCCGTGCTGTGGGGATGATCTGGCCCCCTCCGCGGTGGATGGCGTCGGCGTGCAGG[G>A]TGACGTCGTGGACGTCGAAGCGCACACCCCGCATGTTCTCCTCACACAGTGCGCCCTGGG-3'
Protein context (NP_001952.1, residues 698-718): RGVRFDVHDV[Thr708Ile]LHADAIHRGG